The following is an entry in ClinVar:

ClinVar aggregate classification (germline): Conflicting classifications of pathogenicity. Review status: criteria provided, conflicting classifications (1 of 4 stars). 5 submissions from 5 submitters: Uncertain significance (4); Likely benign (1). Last evaluated 2025-09-30.

Conditions:
Hereditary cancer-predisposing syndrome. Also called: Hereditary Cancer Syndrome; Neoplastic Syndromes, Hereditary; Tumor predisposition; Hereditary neoplastic syndrome. Identifiers: Orphanet 140162, MedGen C0027672, MeSH D009386, MONDO:0015356.
Hereditary diffuse gastric adenocarcinoma (HDGC). Also called: DIFFUSE GASTRIC AND LOBULAR BREAST CANCER SYNDROME. Identifiers: Orphanet 26106, MedGen C1708349, MONDO:0007648, OMIM 137215.
Familial cancer of breast. Also called: BREAST CANCER, FAMILIAL; Hereditary breast cancer; hereditary breast carcinoma. Identifiers: Orphanet 227535, MedGen C0346153, MONDO:0016419, OMIM 114480. Disease mechanism: loss of function.

Allele frequency attached by ClinVar (database versions not stated): gnomAD exomes below 0.00001; TOPMed 0.00001.
gnomAD v4.1: 2 of 1,614,146 alleles (0.00012%); highest among the groups gnomAD compares: Admixed American, 0.0017%; no homozygotes.

Submissions (5):

Women's Health and Genetics/Laboratory Corporation of America, LabCorp
Classification: Uncertain significance. Last evaluated: 2025-09-30. Review status: criteria provided, single submitter. Criteria: LabCorp Variant Classification Summary - May 2015. Collection method: clinical testing. Allele origin: germline.
Comment: Variant summary: CDH1 c.1789C>A (p.Pro597Thr) results in a non-conservative amino acid change in the encoded protein sequence. Algorithms developed to predict the effect of missense changes on protein structure and function all suggest that this variant is likely to be disruptive. The variant was absent in 251488 control chromosomes. The available data on variant occurrences in the general population are insufficient to allow any conclusion about variant significance. To our knowledge, no occurrence of c.1789C>A in individuals affected with CDH1-related conditions and no experimental evidence demonstrating its impact on protein function have been reported. ClinVar contains an entry for this variant (Variation ID: 186627). Based on the evidence outlined above, the variant was classified as uncertain significance.

Labcorp Genetics (formerly Invitae), Labcorp
Classification: Uncertain significance for Hereditary diffuse gastric adenocarcinoma. Last evaluated: 2025-01-30. Review status: criteria provided, single submitter. Criteria: Invitae Variant Classification Sherloc (09022015). Collection method: clinical testing. Allele origin: germline.
Comment: This sequence change replaces proline, which is neutral and non-polar, with threonine, which is neutral and polar, at codon 597 of the CDH1 protein (p.Pro597Thr). This variant is not present in population databases (gnomAD no frequency). This variant has not been reported in the literature in individuals affected with CDH1-related conditions. ClinVar contains an entry for this variant (Variation ID: 186627). An algorithm developed to predict the effect of missense changes on protein structure and function (PolyPhen-2) suggests that this variant is likely to be disruptive. In summary, the available evidence is currently insufficient to determine the role of this variant in disease. Therefore, it has been classified as a Variant of Uncertain Significance.

Ambry Genetics
Classification: Likely benign for Hereditary cancer-predisposing syndrome. Last evaluated: 2024-12-09. Review status: criteria provided, single submitter. Criteria: Ambry Variant Classification Scheme 2023. Collection method: clinical testing. Allele origin: germline.

Baylor Genetics
Classification: Uncertain significance for Familial cancer of breast. Last evaluated: 2023-09-26. Review status: criteria provided, single submitter. Criteria: ACMG Guidelines, 2015. Collection method: clinical testing. Allele origin: unknown.

Quest Diagnostics Nichols Institute San Juan Capistrano
Classification: Uncertain significance. Last evaluated: 2017-07-24. Review status: criteria provided, single submitter. Criteria: Quest Diagnostics criteria. Collection method: clinical testing. Allele origin: germline.

NM_004360.5(CDH1):c.1789C>A (p.Pro597Thr)

Gene: CDH1 (cadherin 1; plus strand). Cytogenetic location: 16q22.1.
Variant type: single nucleotide variant.
Coding change: c.1789C>A on transcript NM_004360.5 (MANE Select); coding-DNA position 1789, C replaced by A.
Protein change: p.Pro597Thr; replaces proline 597 with threonine.
Molecular consequence: missense variant. On other transcripts: 5 prime UTR variant (1).
Genome position (GRCh38, 1-based): chr16:68,822,078, C>A. VCF-style: chr16-68822078-C-A. GRCh37 (hg19) VCF-style: chr16-68855981-C-A.
Other names: c.1789C>A (LRG_301t1); c.1606C>A, p.Pro536Thr (NM_001317184.2); c.241C>A, p.Pro81Thr (NM_001317185.2); c.-177C>A (NM_001317186.2); short protein forms P597T, P81T, P536T.
Identifiers: ClinVar variation 186627 (VCV000186627.17), dbSNP rs201625049, ClinGen allele CA195370.